The following is an entry in ClinVar:

NM_000228.3(LAMB3):c.943+1G>C

Gene: LAMB3 (laminin subunit beta 3; minus strand). Cytogenetic location: 1q32.2.
Variant type: single nucleotide variant.
Coding change: c.943+1G>C on transcript NM_000228.3 (MANE Select); the canonical splice donor site of the intron after coding-DNA position 943, G replaced by C.
Molecular consequence: splice donor variant.
Genome position (GRCh38, 1-based): chr1:209,630,614, C>G on the plus strand (G>C on the coding strand, the complement: LAMB3 is on the minus strand). VCF-style: chr1-209630614-C-G. GRCh37 (hg19) VCF-style: chr1-209803959-C-G.
Other names: c.943+1G>C (NM_001127641.1, NM_001017402.2).
Identifiers: ClinVar variation 860378 (VCV000860378.9), dbSNP rs1666645866, ClinGen allele CA344593197.

ClinVar aggregate classification (germline): Likely pathogenic (1 of 4 stars; one submission).

Allele frequency attached by ClinVar (database versions not stated): TOPMed below 0.00001.

Submission:

Labcorp Genetics (formerly Invitae), Labcorp
Classification: Likely pathogenic. Last evaluated: 2023-03-10. Review status: criteria provided, single submitter. Criteria: Invitae Variant Classification Sherloc (09022015). Collection method: clinical testing. Allele origin: germline.
Comment: This sequence change affects a donor splice site in intron 9 of the LAMB3 gene. It is expected to disrupt RNA splicing. Variants that disrupt the donor or acceptor splice site typically lead to a loss of protein function (PMID: 16199547), and loss-of-function variants in LAMB3 are known to be pathogenic (PMID: 11023379, 16473856). This variant is not present in population databases (gnomAD no frequency). This variant has not been reported in the literature in individuals affected with LAMB3-related conditions. ClinVar contains an entry for this variant (Variation ID: 860378). Algorithms developed to predict the effect of sequence changes on RNA splicing suggest that this variant may disrupt the consensus splice site. In summary, the currently available evidence indicates that the variant is pathogenic, but additional data are needed to prove that conclusively. Therefore, this variant has been classified as Likely Pathogenic.

Literature cited by the submitters: PubMed 16199547; PubMed 11023379; PubMed 16473856.